The following is an entry in ClinVar:

ClinVar aggregate classification (germline): Pathogenic. Review status: criteria provided, multiple submitters, no conflicts (2 of 4 stars). 7 submissions from 6 submitters: Pathogenic (5). 2 of the submissions do not count toward it. Last evaluated 2024-06-25.

Conditions:
TSC1-related disorder. Also called: TSC1-related condition.
Tuberous sclerosis syndrome (TSC). Also called: Tuberous Sclerosis Complex; Tuberous sclerosis. Identifiers: Orphanet 805, MedGen C0041341, MONDO:0001734.
Malignant tumor of urinary bladder. Also called: Bladder cancer; Urinary bladder cancer; Urinary Bladder Neoplasms. Identifiers: MedGen C0005684, MONDO:0001187, OMIM 109800.
Tuberous sclerosis 1 (TSC1). Identifiers: Orphanet 805, MedGen C1854465, MONDO:0008612, OMIM 191100.

Submissions (7):

Labcorp Genetics (formerly Invitae), Labcorp
Classification: Pathogenic for Tuberous sclerosis 1. Last evaluated: 2024-06-25. Review status: criteria provided, single submitter. Criteria: Invitae Variant Classification Sherloc (09022015). Collection method: clinical testing. Allele origin: germline.
Comment: This sequence change creates a premature translational stop signal (p.Glu636Glyfs*51) in the TSC1 gene. It is expected to result in an absent or disrupted protein product. Loss-of-function variants in TSC1 are known to be pathogenic (PMID: 10227394, 17304050). This variant is not present in population databases (gnomAD no frequency). This premature translational stop signal has been observed in individuals with tuberous sclerosis complex (PMID: 9242607, 9924605). ClinVar contains an entry for this variant (Variation ID: 48852). For these reasons, this variant has been classified as Pathogenic.

GeneDx
Classification: Pathogenic. Last evaluated: 2022-11-23. Review status: criteria provided, single submitter. Criteria: GeneDx Variant Classification Process June 2021. Collection method: clinical testing. Allele origin: germline. Affected: yes.
Comment: Identified in patients with a clinical diagnosis of tuberous sclerosis complex in published literature (vanSlegtenhorst et al., 1997; TSC1 LOVD); Frameshift variant predicted to result in protein truncation or nonsense mediated decay in a gene for which loss-of-function is a known mechanism of disease; Not observed in large population cohorts (gnomAD); This variant is associated with the following publications: (PMID: 11179759, 10363127, 30548481, 19419980, 9924605, 31444548, 22923433, 9242607)

Genome-Nilou Lab
Classification: Pathogenic for Tuberous sclerosis 1. Last evaluated: 2021-11-07. Review status: criteria provided, single submitter. Criteria: ACMG Guidelines, 2015. Collection method: clinical testing. Allele origin: germline. Affected: no.

Blueprint Genetics
Classification: Pathogenic for TSC1-related disorders. Last evaluated: 2021-02-11. Review status: criteria provided, single submitter. Criteria: ACMG Guidelines, 2015. Collection method: clinical testing. Allele origin: germline. Affected: yes. Observed: 1 variant allele.

CeGaT Center for Human Genetics Tuebingen
Classification: Pathogenic. Last evaluated: 2019-06-01. Review status: criteria provided, single submitter. Criteria: CeGaT Center For Human Genetics Tuebingen Variant Classification Criteria Version 2. Collection method: clinical testing. Allele origin: germline. Affected: yes. Observed: 1 variant allele.

Tuberous sclerosis database (TSC1)
No classification provided. Condition: TSC. Review status: no classification provided. Criteria: Tuberous Sclerosis Database Assertion Criteria 2015. Collection method: curation. Allele origin: germline. Affected: yes. Not counted in ClinVar's aggregate classification.

Tuberous sclerosis database (TSC1)
No classification provided. Condition: Bladder cancer. Review status: no classification provided. Criteria: Tuberous Sclerosis Database Assertion Criteria 2015. Collection method: curation. Allele origin: germline. Affected: yes. Not counted in ClinVar's aggregate classification.

Literature cited by the submitters: PubMed 10227394 (cited by Labcorp Genetics (formerly Invitae), Labcorp); PubMed 17304050 (cited by Labcorp Genetics (formerly Invitae), Labcorp); PubMed 9242607 (cited by Labcorp Genetics (formerly Invitae), Labcorp); PubMed 9924605 (cited by Labcorp Genetics (formerly Invitae), Labcorp).

NM_000368.5(TSC1):c.1907_1908del (p.Glu636fs)

Gene: TSC1 (TSC complex subunit 1; minus strand). Cytogenetic location: 9q34.13.
Variant type: Microsatellite.
Coding change: c.1907_1908del on transcript NM_000368.5 (MANE Select); coding-DNA positions 1907 to 1908, 2 bases deleted (AG; older notation c.1907_1908delAG).
Protein change: p.Glu636fs; shifts the reading frame from glutamic acid 636.
Molecular consequence: frameshift variant.
Genome position (GRCh38, 1-based): chr9:132,905,670-132,905,671, CT deleted on the plus strand (AG on the coding strand, the reverse complement: TSC1 is on the minus strand); deleting any 2 consecutive bases within chr9:132,905,670-132,905,673 gives the same sequence; the c. name uses the placement nearest the transcript's 3' end. VCF-style (leftmost placement, unchanged base first): chr9-132905669-CCT-C. GRCh37 (hg19) VCF-style: chr9-135781056-CCT-C.
Other names: c.1907_1908delAG (NM_000368.4); c.1904_1905del, p.Glu635fs (NM_001162426.2); c.1754_1755del, p.Glu585fs (NM_001162427.2); c.1544_1545del, p.Glu515fs (NM_001362177.2); short protein forms E585fs, E636fs, E515fs, E635fs.
Identifiers: ClinVar variation 48852 (VCV000048852.55), dbSNP rs118203599, ClinGen allele CA005566.